The following is an entry in ClinVar:

NM_002907.4(RECQL):c.208A>G (p.Lys70Glu)

Gene: RECQL (RecQ like helicase; minus strand). Cytogenetic location: 12p12.1.
Variant type: single nucleotide variant.
Coding change: c.208A>G on transcript NM_002907.4 (MANE Select); coding-DNA position 208, A replaced by G.
Protein change: p.Lys70Glu; replaces lysine 70 with glutamic acid.
Molecular consequence: missense variant.
Genome position (GRCh38, 1-based): chr12:21,491,525, T>C on the plus strand (A>G on the coding strand, the complement: RECQL is on the minus strand). VCF-style: chr12-21491525-T-C. GRCh37 (hg19) VCF-style: chr12-21644459-T-C.
Other names: c.208A>G, p.Lys70Glu (NM_032941.3); short protein forms K70E.
Identifiers: ClinVar variation 3944213 (VCV003944213.2).

ClinVar aggregate classification (germline): Uncertain significance. Review status: criteria provided, multiple submitters, no conflicts (2 of 4 stars). 2 submissions from 2 submitters: Uncertain significance (2). Last evaluated 2025-10-29.

Submissions (2):

Labcorp Genetics (formerly Invitae), Labcorp
Classification: Uncertain significance. Last evaluated: 2025-10-29. Review status: criteria provided, single submitter. Criteria: Invitae Variant Classification Sherloc (09022015). Collection method: clinical testing. Allele origin: germline.
Comment: This sequence change replaces lysine, which is basic and polar, with glutamic acid, which is acidic and polar, at codon 70 of the RECQL protein (p.Lys70Glu). This variant is not present in population databases (gnomAD no frequency). This variant has not been reported in the literature in individuals affected with RECQL-related conditions. ClinVar contains an entry for this variant (Variation ID: 3944213). An algorithm developed to predict the effect of missense changes on protein structure and function (PolyPhen-2) suggests that this variant is likely to be tolerated. In summary, the available evidence is currently insufficient to determine the role of this variant in disease. Therefore, it has been classified as a Variant of Uncertain Significance.

Ambry Genetics
Classification: Uncertain significance. Last evaluated: 2025-05-01. Review status: criteria provided, single submitter. Criteria: Ambry Variant Classification Scheme 2023. Collection method: clinical testing. Allele origin: germline.
Comment: The p.K70E variant (also known as c.208A>G), located in coding exon 2 of the RECQL gene, results from an A to G substitution at nucleotide position 208. The lysine at codon 70 is replaced by glutamic acid, an amino acid with similar properties. This amino acid position is conserved. In addition, this alteration is predicted to be tolerated by in silico analysis. Based on the available evidence, the clinical significance of this variant remains unclear.